The following is an entry in ClinVar:

ClinVar aggregate classification (germline): Uncertain significance (1 of 4 stars; one submission).

gnomAD v4.1: 4 of 1,614,112 alleles (0.00025%); highest among the groups gnomAD compares: East Asian, 0.0022%; no homozygotes.

Submission:

Labcorp Genetics (formerly Invitae), Labcorp
Classification: Uncertain significance. Last evaluated: 2023-01-08. Review status: criteria provided, single submitter. Criteria: Invitae Variant Classification Sherloc (09022015). Collection method: clinical testing. Allele origin: germline.
Comment: This sequence change replaces valine, which is neutral and non-polar, with methionine, which is neutral and non-polar, at codon 510 of the ARHGEF1 protein (p.Val510Met). In summary, the available evidence is currently insufficient to determine the role of this variant in disease. Therefore, it has been classified as a Variant of Uncertain Significance. Algorithms developed to predict the effect of missense changes on protein structure and function are either unavailable or do not agree on the potential impact of this missense change (SIFT: "Deleterious"; PolyPhen-2: "Possibly Damaging"; Align-GVGD: "Class C0"). This variant has not been reported in the literature in individuals affected with ARHGEF1-related conditions. This variant is not present in population databases (gnomAD no frequency).

NM_004706.4(ARHGEF1):c.1483G>A (p.Val495Met)

Gene: ARHGEF1 (Rho guanine nucleotide exchange factor 1; plus strand). Cytogenetic location: 19q13.2.
Variant type: single nucleotide variant.
Coding change: c.1483G>A on transcript NM_004706.4 (MANE Select); coding-DNA position 1483, G replaced by A.
Protein change: p.Val495Met; replaces valine 495 with methionine.
Molecular consequence: missense variant. On other transcripts: non-coding transcript variant (2).
Genome position (GRCh38, 1-based): chr19:41,902,342, G>A. VCF-style: chr19-41902342-G-A. GRCh37 (hg19) VCF-style: chr19-42406492-G-A.
Other names: c.1651G>A, p.Val551Met (NM_001396000.1); c.1384G>A, p.Val462Met (NM_001396002.1, NM_001396004.1, NM_198977.2); c.1483G>A, p.Val495Met (NM_001396003.1, NM_001396006.1); c.1528G>A, p.Val510Met (NM_199002.2); short protein forms V510M, V495M, V551M, V462M.
Identifiers: ClinVar variation 2827080 (VCV002827080.3), dbSNP rs781813623, ClinGen allele CA406061040.